The following is an entry in ClinVar:

ClinVar aggregate classification (germline): Uncertain significance. Review status: criteria provided, multiple submitters, no conflicts (2 of 4 stars). 5 submissions from 4 submitters: Uncertain significance (5). Last evaluated 2024-06-07.

Conditions:
Senior-Loken syndrome 4 (SLSN4). Identifiers: Orphanet 3156, MedGen C1846979, MONDO:0011756, OMIM 606996.
Nephronophthisis. Also called: Juvenile Nephronophthisis. Identifiers: Orphanet 655, MedGen C0687120, MONDO:0019005, HP:0000090.
Nephronophthisis 4 (NPHP4). Also called: NEPHRONOPHTHISIS 4, JUVENILE. Identifiers: Orphanet 655, MedGen C1847013, MONDO:0011752, OMIM 606966.

Allele frequency attached by ClinVar (database versions not stated): ExAC 0.00001; gnomAD 0.00003; TOPMed 0.00006.

Submissions (5):

Labcorp Genetics (formerly Invitae), Labcorp
Classification: Uncertain significance for Nephronophthisis. Last evaluated: 2024-06-07. Review status: criteria provided, single submitter. Criteria: Invitae Variant Classification Sherloc (09022015). Collection method: clinical testing. Allele origin: germline.
Comment: This sequence change replaces arginine, which is basic and polar, with cysteine, which is neutral and slightly polar, at codon 807 of the NPHP4 protein (p.Arg807Cys). This variant is present in population databases (rs770004315, gnomAD 0.008%). This variant has not been reported in the literature in individuals affected with NPHP4-related conditions. ClinVar contains an entry for this variant (Variation ID: 297807). Advanced modeling of protein sequence and biophysical properties (such as structural, functional, and spatial information, amino acid conservation, physicochemical variation, residue mobility, and thermodynamic stability) performed at Invitae indicates that this missense variant is not expected to disrupt NPHP4 protein function with a negative predictive value of 80%. In summary, the available evidence is currently insufficient to determine the role of this variant in disease. Therefore, it has been classified as a Variant of Uncertain Significance.

Fulgent Genetics
Classification: Uncertain significance for Nephronophthisis 4; Senior-Loken syndrome 4. Last evaluated: 2024-02-06. Review status: criteria provided, single submitter. Criteria: ACMG Guidelines, 2015. Collection method: clinical testing. Allele origin: germline.

Illumina Laboratory Services, Illumina
Classification: Uncertain significance for Nephronophthisis 4. Last evaluated: 2018-01-13. Review status: criteria provided, single submitter. Criteria: ICSL Variant Classification Criteria 13 December 2019. Collection method: clinical testing. Allele origin: germline.

Illumina Laboratory Services, Illumina
Classification: Uncertain significance for Senior-Loken syndrome 4. Last evaluated: 2018-01-13. Review status: criteria provided, single submitter. Criteria: ICSL Variant Classification Criteria 13 December 2019. Collection method: clinical testing. Allele origin: germline.

Eurofins Ntd Llc (ga)
Classification: Uncertain significance. Last evaluated: 2017-12-12. Review status: criteria provided, single submitter. Criteria: EGL Classification Definitions 2015. Collection method: clinical testing. Allele origin: germline. Observed: 5 variant alleles, 5 heterozygotes.

NM_015102.5(NPHP4):c.2419C>T (p.Arg807Cys)

Gene: NPHP4 (nephrocystin 4; minus strand). Cytogenetic location: 1p36.31.
Variant type: single nucleotide variant.
Coding change: c.2419C>T on transcript NM_015102.5 (MANE Select); coding-DNA position 2419, C replaced by T.
Protein change: p.Arg807Cys; replaces arginine 807 with cysteine.
Molecular consequence: missense variant. On other transcripts: non-coding transcript variant (1).
Genome position (GRCh38, 1-based): chr1:5,887,352, G>A on the plus strand (C>T on the coding strand, the complement: NPHP4 is on the minus strand). VCF-style: chr1-5887352-G-A. GRCh37 (hg19) VCF-style: chr1-5947412-G-A.
Other names: c.880C>T, p.Arg294Cys (NM_001291593.2); c.883C>T, p.Arg295Cys (NM_001291594.2); short protein forms R807C, R294C, R295C.
Identifiers: ClinVar variation 297807 (VCV000297807.18), dbSNP rs770004315, ClinGen allele CA554130.